The following is an entry in ClinVar:

NM_000458.4(HNF1B):c.*67G>A

Gene: HNF1B (HNF1 homeobox B; minus strand). Cytogenetic location: 17q12.
Variant type: single nucleotide variant.
Coding change: c.*67G>A on transcript NM_000458.4 (MANE Select); 67 bases downstream of the stop codon, G replaced by A.
Molecular consequence: 3 prime UTR variant. On other transcripts: missense variant (2).
Genome position (GRCh38, 1-based): chr17:37,687,305, C>T on the plus strand (G>A on the coding strand, the complement: HNF1B is on the minus strand). VCF-style: chr17-37687305-C-T. GRCh37 (hg19) VCF-style: chr17-36047308-C-T.
Other names: c.*67G>A (NM_001165923.4); c.1349G>A, p.Gly450Asp (NM_001304286.2); c.1622G>A, p.Gly541Asp (NM_001411100.1); short protein forms G450D, G541D.
Identifiers: ClinVar variation 2631463 (VCV002631463.3), dbSNP rs765609943, ClinGen allele CA290286546.

ClinVar aggregate classification (germline): Uncertain significance (0 of 4 stars; one submission).

Conditions:
HNF1B-related disorder. Also called: HNF1B-related disorders; HNF1B-related condition.

gnomAD v4.1: 15 of 1,613,872 alleles (0.00093%); highest among the groups gnomAD compares: Non-Finnish European, 0.0013%; no homozygotes.

Submission:

PreventionGenetics, part of Exact Sciences
Classification: Uncertain significance for HNF1B-related condition. Last evaluated: 2024-02-08. Review status: no assertion criteria provided. Collection method: clinical testing. Allele origin: germline.
Comment: The HNF1B c.1349G>A variant is predicted to result in the amino acid substitution p.Gly450Asp. In the alternative transcript NM_001304286.1, this variant is defined as c.1349G>A (p.Gly450Asp). To our knowledge, this variant has not been reported in the literature. This variant is reported in 0.00088% of alleles in individuals of European (Non-Finnish) descent in gnomAD. At this time, the clinical significance of this variant is uncertain due to the absence of conclusive functional and genetic evidence.